The following is an entry in ClinVar:

ClinVar aggregate classification (germline): Uncertain significance (1 of 4 stars; one submission).

Conditions:
X-linked Emery-Dreifuss muscular dystrophy. Also called: Muscular dystrophy, tardive Emery-Dreifuss type, with contractures. Identifiers: Orphanet 261, Orphanet 98863, MedGen C0751337, MONDO:0010680.

Allele frequency attached by ClinVar (database versions not stated): gnomAD exomes below 0.00001.

Submission:

Labcorp Genetics (formerly Invitae), Labcorp
Classification: Uncertain significance for X-linked Emery-Dreifuss muscular dystrophy. Last evaluated: 2021-09-01. Review status: criteria provided, single submitter. Criteria: Invitae Variant Classification Sherloc (09022015). Collection method: clinical testing. Allele origin: germline.
Comment: This sequence change replaces arginine with tryptophan at codon 47 of the EMD protein (p.Arg47Trp). The arginine residue is highly conserved and there is a moderate physicochemical difference between arginine and tryptophan. This variant is not present in population databases (ExAC no frequency). This variant has not been reported in the literature in individuals affected with EMD-related conditions. Algorithms developed to predict the effect of missense changes on protein structure and function are either unavailable or do not agree on the potential impact of this missense change (SIFT: "Deleterious"; PolyPhen-2: "Probably Damaging"; Align-GVGD: "Class C0"). In summary, the available evidence is currently insufficient to determine the role of this variant in disease. Therefore, it has been classified as a Variant of Uncertain Significance.

NM_000117.3(EMD):c.139C>T (p.Arg47Trp)

Gene: EMD (emerin; plus strand). Cytogenetic location: Xq28.
Variant type: single nucleotide variant.
Coding change: c.139C>T on transcript NM_000117.3 (MANE Select); coding-DNA position 139, C replaced by T.
Protein change: p.Arg47Trp; replaces arginine 47 with tryptophan.
Molecular consequence: missense variant.
Genome position (GRCh38, 1-based): chrX:154,379,746, C>T. VCF-style: chrX-154379746-C-T. GRCh37 (hg19) VCF-style: chrX-153608106-C-T.
Other names: short protein forms R47W.
Identifiers: ClinVar variation 1985808 (VCV001985808.1), dbSNP rs2148128155, ClinGen allele CA415257473.